The following is an entry in ClinVar:

ClinVar aggregate classification (germline): Conflicting classifications of pathogenicity. Review status: criteria provided, conflicting classifications (1 of 4 stars). 3 submissions from 3 submitters: Likely pathogenic (1); Uncertain significance (1). 1 of the submissions does not count toward it. Last evaluated 2024-09-10.

Conditions:
Microphthalmia, syndromic 1 (MCOPS1). Also called: ANOP1. Identifiers: Orphanet 568, Orphanet 85275, MedGen C0796016, MONDO:0010671, OMIM 309800.

Submissions (3):

GeneDx
Classification: Likely pathogenic. Last evaluated: 2024-09-10. Review status: criteria provided, single submitter. Criteria: GeneDx Variant Classification Process June 2021. Collection method: clinical testing. Allele origin: germline. Affected: yes.
Comment: Frameshift variant predicted to result in abnormal protein length as the last 84 amino acid(s) are replaced with 5 different amino acid(s); Not observed at significant frequency in large population cohorts (gnomAD); This variant is associated with the following publications: (PMID: 32864149, 31127942, 37130971, 36810866)

Labcorp Genetics (formerly Invitae), Labcorp
Classification: Uncertain significance. Last evaluated: 2023-08-07. Review status: criteria provided, single submitter. Criteria: Invitae Variant Classification Sherloc (09022015). Collection method: clinical testing. Allele origin: germline.
Comment: In summary, the available evidence is currently insufficient to determine the role of this variant in disease. Therefore, it has been classified as a Variant of Uncertain Significance. Experimental studies and prediction algorithms are not available or were not evaluated, and the functional significance of this variant is currently unknown. ClinVar contains an entry for this variant (Variation ID: 1065122). This premature translational stop signal has been observed in individuals with clinical features of NAA10-related conditions (PMID: 31127942, 32864149, 36810866, 37130971; Invitae). This variant is not present in population databases (gnomAD no frequency). This sequence change creates a premature translational stop signal (p.Thr152Argfs*6) in the NAA10 gene. While this is not anticipated to result in nonsense mediated decay, it is expected to disrupt the last 84 amino acid(s) of the NAA10 protein.

OMIM
Classification: Pathogenic for MICROPHTHALMIA, SYNDROMIC 1. Last evaluated: 2021-05-05. Review status: no assertion criteria provided. Collection method: literature only. Allele origin: germline. Not counted in ClinVar's aggregate classification.

Literature cited by the submitters: PubMed 31127942 (cited by Labcorp Genetics (formerly Invitae), Labcorp and OMIM); PubMed 32864149 (cited by Labcorp Genetics (formerly Invitae), Labcorp); PubMed 36810866 (cited by Labcorp Genetics (formerly Invitae), Labcorp); PubMed 37130971 (cited by Labcorp Genetics (formerly Invitae), Labcorp).

NM_003491.4(NAA10):c.455_458del (p.Thr152fs)

Gene: NAA10 (N-alpha-acetyltransferase 10, NatA catalytic subunit; minus strand). Cytogenetic location: Xq28.
Variant type: Microsatellite.
Coding change: c.455_458del on transcript NM_003491.4 (MANE Select); coding-DNA positions 455 to 458, 4 bases deleted (CTCA; older notation c.455_458delCTCA).
Protein change: p.Thr152fs; shifts the reading frame from threonine 152.
Molecular consequence: frameshift variant.
Genome position (GRCh38, 1-based): chrX:153,930,776-153,930,779, TGAG deleted on the plus strand (CTCA on the coding strand, the reverse complement: NAA10 is on the minus strand); deleting any 4 consecutive bases within chrX:153,930,776-153,930,783 gives the same sequence; the c. name uses the placement nearest the transcript's 3' end. VCF-style (leftmost placement, unchanged base first): chrX-153930775-CTGAG-C. GRCh37 (hg19) VCF-style: chrX-153196228-CTGAG-C.
Other names: c.455_458del (NM_003491.3); c.410_413del, p.Thr137fs (NM_001256119.2); c.437_440del, p.Thr146fs (NM_001256120.2); short protein forms T137fs, T146fs, T152fs.
Identifiers: ClinVar variation 1065122 (VCV001065122.15), dbSNP rs2148534324, ClinGen allele CA2580612300.
Genomic context (GRCh38, chrX:153,930,775, plus strand): 5'-CTGAGTGCCGCCCCCGCTCGCCTTGCTTGGCTTCATGCAGGCGCTTACCTCGTCGGCCAT[CTGAG>C]TGAGGTCCCGCTTCATGGCATAGGCGTCCTCCCCATCTGCATAGTATTTGGGCTCCACTT-3'